The following is an entry in ClinVar:

NM_014141.6(CNTNAP2):c.*1557A>C

Gene: CNTNAP2 (contactin associated protein 2; plus strand). Cytogenetic location: 7q36.1.
Variant type: single nucleotide variant.
Coding change: c.*1557A>C on transcript NM_014141.6 (MANE Select); 1557 bases downstream of the stop codon, A replaced by C.
Molecular consequence: 3 prime UTR variant.
Genome position (GRCh38, 1-based): chr7:148,417,173, A>C. VCF-style: chr7-148417173-A-C. GRCh37 (hg19) VCF-style: chr7-148114265-A-C.
Identifiers: ClinVar variation 359222 (VCV000359222.9), dbSNP rs3194, ClinGen allele CA10628432.
Genomic context (GRCh38, chr7:148,417,173, plus strand): 5'-CCATTCTGAGGAATTCAATATGATCACTTTTTCCTTCTTTGCCTGGGAGAGGTTAAGAGG[A>C]GGTTTCGAAGGTATAGATGCTATTGTTCTGATGGCCCGGCTGAATAAAATGGAAATTCTA-3'

ClinVar aggregate classification (germline): Benign. Review status: criteria provided, multiple submitters, no conflicts (2 of 4 stars). 3 submissions from 3 submitters: Benign (3). Last evaluated 2021-05-10.

Conditions:
Cortical dysplasia-focal epilepsy syndrome (PTHSL1). Also called: Pitt-Hopkins-like syndrome 1. Identifiers: Orphanet 163681, Orphanet 221150, MedGen C2750246, MONDO:0012400, OMIM 610042.

Allele frequency attached by ClinVar (database versions not stated): gnomAD 0.35771 and 0.36560; TOPMed 0.38441; 1000 Genomes Project 30x 0.38960; 1000 Genomes Project 0.39437; gnomAD exomes 0.66667.
gnomAD v4.1: 55,904 of 152,106 alleles (37%); highest among the groups gnomAD compares: East Asian, 66%; 12,508 homozygotes.

Submissions (3):

GeneDx
Classification: Benign. Last evaluated: 2021-05-10. Review status: criteria provided, single submitter. Criteria: GeneDx Variant Classification Process June 2021. Collection method: clinical testing. Allele origin: germline. Affected: yes.

Illumina Laboratory Services, Illumina
Classification: Benign for Cortical dysplasia-focal epilepsy syndrome. Last evaluated: 2018-01-12. Review status: criteria provided, single submitter. Criteria: ICSL Variant Classification Criteria 13 December 2019. Collection method: clinical testing. Allele origin: germline.
Comment: This variant was observed in the ICSL laboratory as part of a predisposition screen in an ostensibly healthy population. It had not been previously curated by ICSL or reported in the Human Gene Mutation Database (HGMD: prior to June 1st, 2018), and was therefore a candidate for classification through an automated scoring system. Utilizing variant allele frequency, disease prevalence and penetrance estimates, and inheritance mode, an automated score was calculated to assess if this variant is too frequent to cause the disease. Based on the score and internal cut-off values, a variant classified as benign is not then subjected to further curation. The score for this variant resulted in a classification of benign for this disease.

Breakthrough Genomics
Classification: Benign. Review status: criteria provided, single submitter. Criteria: ACMG Guidelines, 2015. Collection method: not provided. Allele origin: germline. Inheritance: Autosomal recessive inheritance. Affected: yes.